The following is an entry in ClinVar:

NM_001184.4(ATR):c.4131A>G (p.Gln1377=)

Gene: ATR (ATR checkpoint kinase; minus strand). Cytogenetic location: 3q23.
Variant type: single nucleotide variant.
Coding change: c.4131A>G on transcript NM_001184.4 (MANE Select); coding-DNA position 4131, A replaced by G.
Protein change: p.Gln1377=; no amino-acid change (glutamine 1377 retained).
Molecular consequence: synonymous variant.
Genome position (GRCh38, 1-based): chr3:142,524,014, T>C on the plus strand (A>G on the coding strand, the complement: ATR is on the minus strand). VCF-style: chr3-142524014-T-C. GRCh37 (hg19) VCF-style: chr3-142242856-T-C.
Other names: c.3939A>G, p.Gln1313= (NM_001354579.2).
Identifiers: ClinVar variation 4875180 (VCV004875180.2).

ClinVar aggregate classification (germline): Likely benign (1 of 4 stars; one submission).

Submission:

CeGaT Center for Human Genetics Tuebingen
Classification: Likely benign. Last evaluated: 2026-06-01. Review status: criteria provided, single submitter. Criteria: CeGaT Center For Human Genetics Tuebingen Variant Classification Criteria Version 2. Collection method: clinical testing. Allele origin: germline. Affected: yes. Observed: 1 variant allele.
Comment: ATR: PM2:Supporting, BP4, BP7